The following is an entry in ClinVar:

ClinVar aggregate classification (germline): Conflicting classifications of pathogenicity. Review status: criteria provided, conflicting classifications (1 of 4 stars). 2 submissions from 2 submitters: Uncertain significance (1); Likely benign (1). Last evaluated 2025-04-08.

Conditions:
NBAS-related disorder. Also called: NBAS-related condition.

Allele frequency attached by ClinVar (database versions not stated): gnomAD 0.00001; gnomAD exomes 0.00001 and 0.00002; TOPMed 0.00002; ExAC 0.00001.
gnomAD v4.1: 7 of 1,614,046 alleles (0.00043%); highest among the groups gnomAD compares: Admixed American, 0.012%; no homozygotes.

Submissions (2):

Labcorp Genetics (formerly Invitae), Labcorp
Classification: Likely benign. Last evaluated: 2025-04-08. Review status: criteria provided, single submitter. Criteria: Invitae Variant Classification Sherloc (09022015). Collection method: clinical testing. Allele origin: germline.

PreventionGenetics, part of Exact Sciences
Classification: Uncertain significance for NBAS-related condition. Last evaluated: 2023-09-06. Review status: criteria provided, single submitter. Criteria: ACMG Guidelines, 2015. Collection method: clinical testing. Allele origin: germline.
Comment: The NBAS c.5569A>G variant is predicted to result in the amino acid substitution p.Thr1857Ala. To our knowledge, this variant has not been reported in the literature. This variant is reported in 0.017% of alleles in individuals of Latino descent in gnomAD. At this time, the clinical significance of this variant is uncertain due to the absence of conclusive functional and genetic evidence.

NM_015909.4(NBAS):c.5569A>G (p.Thr1857Ala)

Gene: NBAS (NBAS subunit of NRZ tethering complex; minus strand). Cytogenetic location: 2p24.3.
Variant type: single nucleotide variant.
Coding change: c.5569A>G on transcript NM_015909.4 (MANE Select); coding-DNA position 5569, A replaced by G.
Protein change: p.Thr1857Ala; replaces threonine 1857 with alanine.
Molecular consequence: missense variant. On other transcripts: non-coding transcript variant (1).
Genome position (GRCh38, 1-based): chr2:15,275,639, T>C on the plus strand (A>G on the coding strand, the complement: NBAS is on the minus strand). VCF-style: chr2-15275639-T-C. GRCh37 (hg19) VCF-style: chr2-15415763-T-C.
Other names: c.5569A>G (NM_015909.3); short protein forms T1857A.
Identifiers: ClinVar variation 1397349 (VCV001397349.6), dbSNP rs758233969, ClinGen allele CA1535267.